The following is an entry in ClinVar:

NM_001367871.1(FBRSL1):c.291+1G>T

Gene: FBRSL1 (fibrosin like 1; plus strand). Cytogenetic location: 12q24.33.
Variant type: single nucleotide variant.
Coding change: c.291+1G>T on transcript NM_001367871.1 (MANE Select); the canonical splice donor site of the intron after coding-DNA position 291, G replaced by T.
Molecular consequence: splice donor variant.
Genome position (GRCh38, 1-based): chr12:132,490,862, G>T. VCF-style: chr12-132490862-G-T. GRCh37 (hg19) VCF-style: chr12-133067448-G-T.
Other names: c.291+1G>T (NM_001382739.1, NM_001142641.2, NM_001382740.1 and 2 more transcripts).
Identifiers: ClinVar variation 4853927 (VCV004853927.1).

ClinVar aggregate classification (germline): Uncertain significance (1 of 4 stars; one submission).

Conditions:
FBRSL1-related disorder. Also called: FBRSL1-related condition.

Submission:

3billion
Classification: Uncertain significance for FBRSL1-related disorder. Last evaluated: 2025-11-17. Review status: criteria provided, single submitter. Criteria: ACMG Guidelines, 2015. Collection method: clinical testing. Allele origin: germline. Affected: yes.
Comment: The variant is not observed in the gnomAD v4.1.0 dataset. Predicted Consequence/Location: Canonical splice site: predicted to alter splicing and result in a loss or disruption of normal protein function. Multiple pathogenic loss-of-function variants are reported downstream of the variant. In silico tools predict the variant to alter splicing and produce an abnormal transcript [SpliceAI: 0.99 (spliceogenicity >=0.2, non-spliceogenicity <0.1)]. Therefore, this variant is classified as VUS according to the recommendation of ACMG/AMP guideline.